The following is an entry in ClinVar:

ClinVar aggregate classification (germline): Uncertain significance (1 of 4 stars; one submission).

Conditions:
Anauxetic dysplasia. Identifiers: Orphanet 93347, MedGen C1846796, MONDO:0011773.

Submission:

Labcorp Genetics (formerly Invitae), Labcorp
Classification: Uncertain significance for Anauxetic dysplasia. Last evaluated: 2022-08-19. Review status: criteria provided, single submitter. Criteria: Invitae Variant Classification Sherloc (09022015). Collection method: clinical testing. Allele origin: germline.
Comment: This variant occurs in the RMRP gene, which encodes an RNA molecule that does not result in a protein product. This variant is not present in population databases (gnomAD no frequency). This variant has not been reported in the literature in individuals affected with RMRP-related conditions. Experimental studies and prediction algorithms are not available or were not evaluated, and the functional significance of this variant is currently unknown. Algorithms developed to predict the effect of sequence changes on RNA splicing suggest that this variant may create or strengthen a splice site. In summary, the available evidence is currently insufficient to determine the role of this variant in disease. Therefore, it has been classified as a Variant of Uncertain Significance.

NC_000009.12:g.35657802_35657803insTGGTCTCGGGAACAAAAAACAGCCGCGCTGAGAATGAGCCCCGTGTGGTTGGTGCGCGGACACGCA

Gene: RMRP (RNA component of mitochondrial RNA processing endoribonuclease; minus strand). Cytogenetic location: 9p13.3.
Variant type: Insertion.
Genome position: GRCh38: chr9:35,657,802-35,657,803. GRCh37 (hg19): chr9:35,657,799-35,657,800.
Identifiers: ClinVar variation 2146590 (VCV002146590.1), dbSNP rs1823603652, ClinGen allele CA1123198904.